The following is an entry in ClinVar:

ClinVar aggregate classification (germline): Benign/Likely benign. Review status: criteria provided, multiple submitters, no conflicts (2 of 4 stars). 3 submissions from 3 submitters: Benign (1); Likely benign (2). Last evaluated 2026-01-24.

Conditions:
6-Pyruvoyl-tetrahydrobiopterin synthase deficiency. Also called: PTS DEFICIENCY; HYPERPHENYLALANINEMIA, TETRAHYDROBIOPTERIN-DEFICIENT, DUE TO PTS DEFICIENCY; Hyperphenylalanemia, BH4-deficient, A; Hyperphenylalaninemia due to 6-pyruvoyl-tetrahydropterin synthase deficiency; 6-Pyruvoyltetrahydropterin Synthase Deficiency; BH4-deficient hyperphenylalaninemia A. Identifiers: Orphanet 13, Orphanet 238583, MedGen C0878676, MONDO:0009863, OMIM 261640.

Allele frequency attached by ClinVar (database versions not stated): ESP Exome Variant Server 0.00008; TOPMed 0.00008; gnomAD 0.00010 and 0.00011; gnomAD exomes 0.00010; ExAC 0.00013.

Submissions (3):

Labcorp Genetics (formerly Invitae), Labcorp
Classification: Likely benign for 6-Pyruvoyl-tetrahydrobiopterin synthase deficiency. Last evaluated: 2026-01-24. Review status: criteria provided, single submitter. Criteria: Invitae Variant Classification Sherloc (09022015). Collection method: clinical testing. Allele origin: germline.

Blueprint Genetics
Classification: Likely benign. Last evaluated: 2024-11-18. Review status: criteria provided, single submitter. Criteria: ACMG Guidelines, 2015. Collection method: clinical testing. Allele origin: germline.

Illumina Laboratory Services, Illumina
Classification: Benign for 6-Pyruvoyl-tetrahydrobiopterin synthase deficiency. Last evaluated: 2017-04-27. Review status: criteria provided, single submitter. Criteria: ICSL Variant Classification Criteria 13 December 2019. Collection method: clinical testing. Allele origin: germline.
Comment: This variant was observed as part of a predisposition screen in an ostensibly healthy population. A literature search was performed for the gene, cDNA change, and amino acid change (where applicable). No publications were found based on this search. Allele frequency data from public databases was too high to be consistent with this variant causing disease. Therefore, this variant is classified as benign.

NM_000317.3(PTS):c.372A>T (p.Val124=)

Gene: PTS (6-pyruvoyltetrahydropterin synthase; plus strand). Cytogenetic location: 11q23.1.
Variant type: single nucleotide variant.
Coding change: c.372A>T on transcript NM_000317.3 (MANE Select); coding-DNA position 372, A replaced by T.
Protein change: p.Val124=; no amino-acid change (valine 124 retained).
Molecular consequence: synonymous variant.
Genome position (GRCh38, 1-based): chr11:112,233,489, A>T. VCF-style: chr11-112233489-A-T. GRCh37 (hg19) VCF-style: chr11-112104212-A-T.
Identifiers: ClinVar variation 880375 (VCV000880375.13), dbSNP rs139969809, ClinGen allele CA6278592.